The following is an entry in ClinVar:

NM_004766.3(COPB2):c.1266dup (p.Ser423fs)

Gene: COPB2 (coat protein complex I subunit beta 2; minus strand). Cytogenetic location: 3q23.
Variant type: Duplication.
Coding change: c.1266dup on transcript NM_004766.3 (MANE Select); coding-DNA position 1266, one base duplicated (A; older notation c.1266dupA).
Protein change: p.Ser423fs; shifts the reading frame from serine 423.
Molecular consequence: frameshift variant. On other transcripts: non-coding transcript variant (1).
Genome position (GRCh38, 1-based): chr3:139,369,484, T duplicated on the plus strand (A on the coding strand, the reverse complement: COPB2 is on the minus strand); the first of 8 consecutive T bases (chr3:139,369,484-139,369,491); duplicating any one gives the same sequence. VCF-style (leftmost placement, unchanged base first): chr3-139369483-A-AT. GRCh37 (hg19) VCF-style: chr3-139088325-A-AT.
Other names: c.1172dup, p.Ser394Ilefs (NM_001410834.1); short protein forms S423fs.
Identifiers: ClinVar variation 2431662 (VCV002431662.2), dbSNP rs2472899515, ClinGen allele CA2580068847.

ClinVar aggregate classification (germline): Conflicting classifications of pathogenicity. Review status: criteria provided, conflicting classifications (1 of 4 stars). 2 submissions from 2 submitters: Likely pathogenic (1); Uncertain significance (1). Last evaluated 2024-04-08.

Conditions:
Osteoporosis, childhood- or juvenile-onset, with developmental delay. Identifiers: MedGen C5676992, MONDO:0859253, OMIM 619884.

Submissions (2):

Blueprint Genetics
Classification: Uncertain significance. Last evaluated: 2024-04-08. Review status: criteria provided, single submitter. Criteria: ACMG Guidelines, 2015. Collection method: clinical testing. Allele origin: germline.

Laboratorio de Genetica e Diagnostico Molecular, Hospital Israelita Albert Einstein
Classification: Likely pathogenic for Osteoporosis, childhood- or juvenile-onset, with developmental delay. Last evaluated: 2022-10-14. Review status: criteria provided, single submitter. Criteria: ACMG Guidelines, 2015. Collection method: clinical testing. Allele origin: germline. Affected: yes. Observed: 1 variant allele.
Comment: ACMG classification criteria: PVS1 strong, PM2 moderated